The following is an entry in ClinVar:

ClinVar aggregate classification (germline): Conflicting classifications of pathogenicity. Review status: criteria provided, conflicting classifications (1 of 4 stars). 2 submissions from 2 submitters: Uncertain significance (1); Likely benign (1). Last evaluated 2022-07-06.

Conditions:
Kabuki syndrome. Also called: Kabuki make-up syndrome; NIIKAWA-KUROKI SYNDROME. Identifiers: Orphanet 2322, MedGen C0796004, MONDO:0016512.
Kabuki syndrome 1 (KABUK1). Also called: KMT2D-Related Kabuki Syndrome. Identifiers: Orphanet 2322, MedGen CN030661, MONDO:0007843, OMIM 147920.

Submissions (2):

Labcorp Genetics (formerly Invitae), Labcorp
Classification: Likely benign for Kabuki syndrome. Last evaluated: 2022-07-06. Review status: criteria provided, single submitter. Criteria: Invitae Variant Classification Sherloc (09022015). Collection method: clinical testing. Allele origin: germline.

Baylor Genetics
Classification: Uncertain significance for Kabuki syndrome 1. Last evaluated: 2019-10-30. Review status: criteria provided, single submitter. Criteria: ACMG Guidelines, 2015. Collection method: clinical testing. Allele origin: unknown. Affected: yes.
Comment: This variant was determined to be of uncertain significance according to ACMG Guidelines, 2015 [PMID:25741868].

NM_003482.4(KMT2D):c.8241C>A (p.Ser2747Arg)

Gene: KMT2D (lysine methyltransferase 2D; minus strand). Cytogenetic location: 12q13.12.
Variant type: single nucleotide variant.
Coding change: c.8241C>A on transcript NM_003482.4 (MANE Select); coding-DNA position 8241, C replaced by A.
Protein change: p.Ser2747Arg; replaces serine 2747 with arginine.
Molecular consequence: missense variant.
Genome position (GRCh38, 1-based): chr12:49,039,347, G>T on the plus strand (C>A on the coding strand, the complement: KMT2D is on the minus strand). VCF-style: chr12-49039347-G-T. GRCh37 (hg19) VCF-style: chr12-49433130-G-T.
Other names: short protein forms S2747R.
Identifiers: ClinVar variation 1028117 (VCV001028117.5), dbSNP rs1943376258, ClinGen allele CA384743144.
Genomic context (GRCh38, chr12:49,039,347, plus strand): 5'-AGGGAAGGACCCTGGCCCCAGGATGGGGCCACTCAGCTTGCTTGGGGGCAACCCCACAAG[G>T]CTGCTCTTGTCCTAGAAGAGACAAGGTAGATGAAGGTGGAGCAACCTTCAATATCCTGGC-3'
Protein context (NP_003473.3, residues 2737-2757): TPFAGTQDKS[Ser2747Arg]LVGLPPSKLS